The following is an entry in ClinVar:

ClinVar aggregate classification (germline): Uncertain significance (1 of 4 stars; one submission).

Conditions:
RASopathy. Also called: rasopathies; Noonan spectrum disorder. Identifiers: Orphanet 536391, MedGen C5555857, MONDO:0021060.

Submission:

Labcorp Genetics (formerly Invitae), Labcorp
Classification: Uncertain significance for RASopathy. Last evaluated: 2021-04-03. Review status: criteria provided, single submitter. Criteria: Invitae Variant Classification Sherloc (09022015). Collection method: clinical testing. Allele origin: germline.
Comment: This sequence change replaces aspartic acid with glutamic acid at codon 66 of the MAP2K1 protein (p.Asp66Glu). The aspartic acid residue is highly conserved and there is a small physicochemical difference between aspartic acid and glutamic acid. This variant is not present in population databases (ExAC no frequency). This variant has not been reported in the literature in individuals with MAP2K1-related conditions. Advanced modeling of protein sequence and biophysical properties (such as structural, functional, and spatial information, amino acid conservation, physicochemical variation, residue mobility, and thermodynamic stability) performed at Invitae indicates that this missense variant is not expected to disrupt MAP2K1 protein function. In summary, the available evidence is currently insufficient to determine the role of this variant in disease. Therefore, it has been classified as a Variant of Uncertain Significance.

NM_002755.4(MAP2K1):c.198C>A (p.Asp66Glu)

Gene: MAP2K1 (mitogen-activated protein kinase kinase 1; plus strand). Cytogenetic location: 15q22.31.
Variant type: single nucleotide variant.
Coding change: c.198C>A on transcript NM_002755.4 (MANE Select); coding-DNA position 198, C replaced by A.
Protein change: p.Asp66Glu; replaces aspartic acid 66 with glutamic acid.
Molecular consequence: missense variant.
Genome position (GRCh38, 1-based): chr15:66,435,144, C>A. VCF-style: chr15-66435144-C-A. GRCh37 (hg19) VCF-style: chr15-66727482-C-A.
Other names: short protein forms D66E.
Identifiers: ClinVar variation 1502584 (VCV001502584.8), dbSNP rs56200325, ClinGen allele CA392929316.